The following is an entry in ClinVar:

ClinVar aggregate classification (germline): Likely benign. Review status: criteria provided, multiple submitters, no conflicts (2 of 4 stars). 4 submissions from 4 submitters: Likely benign (3). 1 of the submissions does not count toward it. Last evaluated 2026-01-01.

Conditions:
DSTYK-related disorder. Also called: DSTYK-related condition.

Allele frequency attached by ClinVar (database versions not stated): 1000 Genomes Project 0.00040; 1000 Genomes Project 30x 0.00047; gnomAD 0.00067 and 0.00073; TOPMed 0.00069; ExAC 0.00073; ESP Exome Variant Server 0.00092.
gnomAD v4.1: 826 of 1,614,108 alleles (0.051%); highest among the groups gnomAD compares: African/African-American, 0.13%; 4 homozygotes.

Submissions (4):

CeGaT Center for Human Genetics Tuebingen
Classification: Likely benign. Last evaluated: 2026-01-01. Review status: criteria provided, single submitter. Criteria: CeGaT Center For Human Genetics Tuebingen Variant Classification Criteria Version 2. Collection method: clinical testing. Allele origin: germline. Affected: yes. Observed: 2 variant alleles.
Comment: DSTYK: BP4, BP7

Labcorp Genetics (formerly Invitae), Labcorp
Classification: Likely benign. Last evaluated: 2025-11-25. Review status: criteria provided, single submitter. Criteria: Invitae Variant Classification Sherloc (09022015). Collection method: clinical testing. Allele origin: germline.

Blueprint Genetics
Classification: Likely benign. Last evaluated: 2024-10-23. Review status: criteria provided, single submitter. Criteria: ACMG Guidelines, 2015. Collection method: clinical testing. Allele origin: germline.

PreventionGenetics, part of Exact Sciences
Classification: Benign for DSTYK-related condition. Last evaluated: 2019-07-31. Review status: no assertion criteria provided. Collection method: clinical testing. Allele origin: germline. Not counted in ClinVar's aggregate classification.
Comment: This variant is classified as benign based on ACMG/AMP sequence variant interpretation guidelines (Richards et al. 2015 PMID: 25741868, with internal and published modifications).

NM_015375.3(DSTYK):c.1731C>T (p.Ser577=)

Gene: DSTYK (dual serine/threonine and tyrosine protein kinase; minus strand). Cytogenetic location: 1q32.1.
Variant type: single nucleotide variant.
Coding change: c.1731C>T on transcript NM_015375.3 (MANE Select); coding-DNA position 1731, C replaced by T.
Protein change: p.Ser577=; no amino-acid change (serine 577 retained).
Molecular consequence: synonymous variant.
Genome position (GRCh38, 1-based): chr1:205,162,123, G>A on the plus strand (C>T on the coding strand, the complement: DSTYK is on the minus strand). VCF-style: chr1-205162123-G-A. GRCh37 (hg19) VCF-style: chr1-205131251-G-A.
Other names: c.1731C>T, p.Ser577= (NM_199462.3).
Identifiers: ClinVar variation 746694 (VCV000746694.34), dbSNP rs147190858, ClinGen allele CA1352775.